The following is an entry in ClinVar:

NM_002519.3(NPAT):c.34T>G (p.Leu12Val)

Gene: NPAT (nuclear protein, coactivator of histone transcription; minus strand). Cytogenetic location: 11q22.3.
Variant type: single nucleotide variant.
Coding change: c.34T>G on transcript NM_002519.3 (MANE Select); coding-DNA position 34, T replaced by G.
Protein change: p.Leu12Val; replaces leucine 12 with valine.
Molecular consequence: missense variant.
Genome position (GRCh38, 1-based): chr11:108,222,503, A>C on the plus strand (T>G on the coding strand, the complement: NPAT is on the minus strand). VCF-style: chr11-108222503-A-C. GRCh37 (hg19) VCF-style: chr11-108093230-A-C.
Other names: c.34T>G, p.Leu12Val (NM_001321307.1); short protein forms L12V.
Identifiers: ClinVar variation 3222594 (VCV003222594.1), dbSNP rs1325695414, ClinGen allele CA382517053.

ClinVar aggregate classification (germline): Uncertain significance (1 of 4 stars; one submission).

Submission:

Ambry Genetics
Classification: Uncertain significance. Last evaluated: 2024-02-13. Review status: criteria provided, single submitter. Criteria: Ambry Variant Classification Scheme 2023. Collection method: clinical testing. Allele origin: germline.
Comment: The p.L12V variant (also known as c.34T>G), located in coding exon 1 of the NPAT gene, results from a T to G substitution at nucleotide position 34. The leucine at codon 12 is replaced by valine, an amino acid with highly similar properties. This amino acid position is conserved. In addition, the in silico prediction for this alteration is inconclusive. Based on the available evidence, the clinical significance of this alteration remains unclear.